The following is an entry in ClinVar:

NC_000004.11:g.(?_25125553)_(25128999_?)del

Gene: SEPSECS (Sep (O-phosphoserine) tRNA:Sec (selenocysteine) tRNA synthase; minus strand). Cytogenetic location: 4p15.2.
Variant type: Deletion.
Identifiers: ClinVar variation 3246752 (VCV003246752.1).

ClinVar aggregate classification (germline): Pathogenic (1 of 4 stars; one submission).

Submission:

Labcorp Genetics (formerly Invitae), Labcorp
Classification: Pathogenic. Last evaluated: 2023-05-13. Review status: criteria provided, single submitter. Criteria: Invitae Variant Classification Sherloc (09022015). Collection method: clinical testing. Allele origin: unknown.
Comment: For these reasons, this variant has been classified as Pathogenic. This variant disrupts a region of the SEPSECS protein in which other variant(s) (p.Asp489Val) have been determined to be pathogenic (PMID: 25044680, 31130284). This suggests that this is a clinically significant region of the protein, and that variants that disrupt it are likely to be disease-causing. This variant has not been reported in the literature in individuals affected with SEPSECS-related conditions. This variant is a gross deletion of the genomic region encompassing exon(s) 9-11 of the SEPSECS gene, which includes the termination codon. This deletion extends beyond the assayed region for this gene and therefore may encompass additional genes. While this deletion is not anticipated to lead to nonsense mediated decay, it is expected to alter mRNA translation or result in a truncated protein product.

Literature cited by the submitters: PubMed 25044680; PubMed 31130284.